The following is an entry in ClinVar:

ClinVar aggregate classification (germline): Uncertain significance (1 of 4 stars; one submission).

Allele frequency attached by ClinVar (database versions not stated): gnomAD 0.00001; 1000 Genomes Project 30x 0.00016; 1000 Genomes Project 0.00020.
gnomAD v4.1: 30 of 1,614,150 alleles (0.0019%); highest among the groups gnomAD compares: South Asian, 0.027%; 1 homozygote.

Submission:

Labcorp Genetics (formerly Invitae), Labcorp
Classification: Uncertain significance. Last evaluated: 2021-08-24. Review status: criteria provided, single submitter. Criteria: Invitae Variant Classification Sherloc (09022015). Collection method: clinical testing. Allele origin: germline.
Comment: This sequence change replaces isoleucine with threonine at codon 891 of the USH2A protein (p.Ile891Thr). The isoleucine residue is weakly conserved and there is a moderate physicochemical difference between isoleucine and threonine. This variant is present in population databases (rs555799948, ExAC 0.05%). This variant has not been reported in the literature in individuals affected with USH2A-related conditions. Algorithms developed to predict the effect of missense changes on protein structure and function output the following: SIFT: "Tolerated"; PolyPhen-2: "Benign"; Align-GVGD: "Class C0". The threonine amino acid residue is found in multiple mammalian species, which suggests that this missense change does not adversely affect protein function. In summary, the available evidence is currently insufficient to determine the role of this variant in disease. Therefore, it has been classified as a Variant of Uncertain Significance.

NM_206933.4(USH2A):c.2672T>C (p.Ile891Thr)

Genes: USH2A (usherin; minus strand), LOC122152296 (Sharpr-MPRA regulatory region 8762; plus strand). Cytogenetic location: 1q41.
Variant type: single nucleotide variant.
Coding change: c.2672T>C on transcript NM_206933.4 (MANE Select); coding-DNA position 2672, T replaced by C.
Protein change: p.Ile891Thr; replaces isoleucine 891 with threonine.
Molecular consequence: missense variant.
Genome position (GRCh38, 1-based): chr1:216,246,722, A>G on the plus strand (T>C on the coding strand, the complement: USH2A is on the minus strand). VCF-style: chr1-216246722-A-G. GRCh37 (hg19) VCF-style: chr1-216420064-A-G.
Other names: c.2672T>C, p.Ile891Thr (NM_007123.6); short protein forms I891T.
Identifiers: ClinVar variation 2158556 (VCV002158556.1), dbSNP rs555799948, ClinGen allele CA1396191.